The following is an entry in ClinVar:

NM_022124.6(CDH23):c.9553G>A (p.Asp3185Asn)

Gene: CDH23 (cadherin related 23; plus strand). Cytogenetic location: 10q22.1.
Variant type: single nucleotide variant.
Coding change: c.9553G>A on transcript NM_022124.6 (MANE Select); coding-DNA position 9553, G replaced by A.
Protein change: p.Asp3185Asn; replaces aspartic acid 3185 with asparagine.
Molecular consequence: missense variant.
Genome position (GRCh38, 1-based): chr10:71,812,810, G>A. VCF-style: chr10-71812810-G-A. GRCh37 (hg19) VCF-style: chr10-73572567-G-A.
Other names: c.2833G>A, p.Asp945Asn (NM_001171933.1, NM_001171934.1); c.244G>A, p.Asp82Asn (NM_001171935.1, NM_001171936.1); short protein forms D82N, D3185N, D945N.
Identifiers: ClinVar variation 1345802 (VCV001345802.6), dbSNP rs2133008094, ClinGen allele CA377137019.

ClinVar aggregate classification (germline): Uncertain significance (1 of 4 stars; one submission).

Allele frequency attached by ClinVar (database versions not stated): gnomAD exomes below 0.00001.
gnomAD v4.1: 1 of 1,613,462 alleles (0.000062%); highest among the groups gnomAD compares: Non-Finnish European, 0.000085%; no homozygotes.

Submission:

Labcorp Genetics (formerly Invitae), Labcorp
Classification: Uncertain significance. Last evaluated: 2025-07-07. Review status: criteria provided, single submitter. Criteria: Invitae Variant Classification Sherloc (09022015). Collection method: clinical testing. Allele origin: germline.
Comment: This sequence change replaces aspartic acid, which is acidic and polar, with asparagine, which is neutral and polar, at codon 3185 of the CDH23 protein (p.Asp3185Asn). This variant is not present in population databases (gnomAD no frequency). This variant has not been reported in the literature in individuals affected with CDH23-related conditions. ClinVar contains an entry for this variant (Variation ID: 1345802). Invitae Evidence Modeling of protein sequence and biophysical properties (such as structural, functional, and spatial information, amino acid conservation, physicochemical variation, residue mobility, and thermodynamic stability) has been performed for this missense variant. However, the output from this modeling did not meet the statistical confidence thresholds required to predict the impact of this variant on CDH23 protein function. In summary, the available evidence is currently insufficient to determine the role of this variant in disease. Therefore, it has been classified as a Variant of Uncertain Significance.